The following is an entry in ClinVar:

ClinVar aggregate classification (germline): Pathogenic/Likely pathogenic. Review status: criteria provided, multiple submitters, no conflicts (2 of 4 stars). 6 submissions from 6 submitters: Pathogenic (1); Likely pathogenic (5). Last evaluated 2026-02-13.

Conditions:
MYO7A-related disorder. Also called: MYO7A-related disorders.
Usher syndrome. Also called: Usher Syndromes; Usher's syndrome. Identifiers: Orphanet 886, MedGen CN469326, MeSH D052245, MONDO:0019501. Disease mechanism: loss of function.
Usher syndrome type 1B (USH1B). Also called: Usher syndrome type IB. Identifiers: MedGen C1848638, MONDO:0700087.
Usher syndrome type 1 (USH1). Also called: RETINITIS PIGMENTOSA AND CONGENITAL DEAFNESS. Identifiers: Orphanet 231169, Orphanet 886, MedGen C1568247, MONDO:0010168, OMIM 276900.

Allele frequency attached by ClinVar (database versions not stated): gnomAD exomes below 0.00001; gnomAD 0.00002; TOPMed 0.00002.
gnomAD v4.1: 8 of 1,611,922 alleles (0.0005%); highest among the groups gnomAD compares: Admixed American, 0.0033%; no homozygotes.

Submissions (6):

OLLIN Analises Genomicas, OLLIN
Classification: Likely pathogenic for Usher syndrome type 1. Last evaluated: 2026-02-13. Review status: criteria provided, single submitter. Criteria: ACMG Guidelines 2015 PMID 25741868. Collection method: clinical testing. Allele origin: germline. Observed: 1 variant allele.
Comment: PS4, PM2_P, PM5, PP3

Labcorp Genetics (formerly Invitae), Labcorp
Classification: Pathogenic. Last evaluated: 2025-10-24. Review status: criteria provided, single submitter. Criteria: Invitae Variant Classification Sherloc (09022015). Collection method: clinical testing. Allele origin: germline.
Comment: This sequence change replaces arginine, which is basic and polar, with tryptophan, which is neutral and slightly polar, at codon 1883 of the MYO7A protein (p.Arg1883Trp). This variant is present in population databases (no rsID available, gnomAD 0.006%). This missense change has been observed in individuals with autosomal recessive Usher syndrome (PMID: 27460420). ClinVar contains an entry for this variant (Variation ID: 1194353). Invitae Evidence Modeling of protein sequence and biophysical properties (such as structural, functional, and spatial information, amino acid conservation, physicochemical variation, residue mobility, and thermodynamic stability) indicates that this missense variant is expected to disrupt MYO7A protein function with a positive predictive value of 95%. This variant disrupts the p.Arg1883 amino acid residue in MYO7A. Other variant(s) that disrupt this residue have been determined to be pathogenic (PMID: 20844544, 21569298, 21873662, 22135276). This suggests that this residue is clinically significant, and that variants that disrupt this residue are likely to be disease-causing. For these reasons, this variant has been classified as Pathogenic.

Natera, Inc.
Classification: Likely pathogenic for Usher syndrome type 1B. Last evaluated: 2025-01-29. Review status: criteria provided, single submitter. Criteria: Natera Variant Classification Schema (03/2026). Collection method: clinical testing. Allele origin: germline.
Comment: The c.5647C>T variant in MYO7A is a missense variant predicted to cause substitution of arginine to tryptophan at amino acid 1883. This variant is rare in the general population with a frequency below the threshold expected for the associated phenotype(s). This variant has been observed in one or more individuals affected with the associated recessive disease, as either homozygous or compound heterozygous with a second variant (PMID: 27460420). A different variant at the same position has been determined to be Pathogenic or Likely Pathogenic. Computational prediction algorithms indicate this variant is likely to affect gene or protein function. Given the available evidence, this variant is classified as Likely Pathogenic.

Women's Health and Genetics/Laboratory Corporation of America, LabCorp
Classification: Likely pathogenic for Usher syndrome. Last evaluated: 2024-11-04. Review status: criteria provided, single submitter. Criteria: LabCorp Variant Classification Summary - May 2015. Collection method: clinical testing. Allele origin: germline.
Comment: Variant summary: MYO7A c.5647C>T (p.Arg1883Trp) results in a non-conservative amino acid change in the encoded protein sequence. Five of five in-silico tools predict a damaging effect of the variant on protein function. The variant allele was found at a frequency of 4.1e-06 in 245398 control chromosomes. c.5647C>T has been reported in the literature in individuals affected with sensorineural hearing loss and Usher Syndrome (Yan_2016, Bonnet_2016). These data indicate that the variant may be associated with disease. A different variant affecting the same codon has been classified as pathogenic by our lab (c.5648G>A, p.Arg1883Gln), supporting the critical relevance of codon 1883 to MYO7A protein function. To our knowledge, no experimental evidence demonstrating an impact on protein function has been reported. The following publications have been ascertained in the context of this evaluation (PMID: 27460420, 27344577). ClinVar contains an entry for this variant (Variation ID: 1194353). Based on the evidence outlined above, the variant was classified as likely pathogenic.

Blueprint Genetics
Classification: Likely pathogenic for MYO7A-related disorders. Last evaluated: 2022-11-14. Review status: criteria provided, single submitter. Criteria: ACMG Guidelines, 2015. Collection method: clinical testing. Allele origin: germline. Affected: yes. Observed: 3 variant alleles.

GeneDx
Classification: Likely pathogenic. Last evaluated: 2019-09-19. Review status: criteria provided, single submitter. Criteria: GeneDx Variant Classification Process June 2021. Collection method: clinical testing. Allele origin: germline. Affected: yes.
Comment: Not observed at a significant frequency in large population cohorts (Lek et al., 2016); In silico analysis, which includes protein predictors and evolutionary conservation, supports a deleterious effect; This variant is associated with the following publications: (PMID: 27460420)

Literature cited by the submitters: PubMed 27460420 (cited by 3 submitters); PubMed 20844544 (cited by Labcorp Genetics (formerly Invitae), Labcorp); PubMed 21569298 (cited by Labcorp Genetics (formerly Invitae), Labcorp); PubMed 21873662 (cited by Labcorp Genetics (formerly Invitae), Labcorp); PubMed 22135276 (cited by Labcorp Genetics (formerly Invitae), Labcorp); PubMed 27344577 (cited by Women's Health and Genetics/Laboratory Corporation of America, LabCorp).

NM_000260.4(MYO7A):c.5647C>T (p.Arg1883Trp)

Gene: MYO7A (myosin VIIA; plus strand). Cytogenetic location: 11q13.5.
Variant type: single nucleotide variant.
Coding change: c.5647C>T on transcript NM_000260.4 (MANE Select); coding-DNA position 5647, C replaced by T.
Protein change: p.Arg1883Trp; replaces arginine 1883 with tryptophan.
Molecular consequence: missense variant.
Genome position (GRCh38, 1-based): chr11:77,206,107, C>T. VCF-style: chr11-77206107-C-T. GRCh37 (hg19) VCF-style: chr11-76917152-C-T.
Other names: c.5533C>T, p.Arg1845Trp (NM_001127180.2); c.5500C>T, p.Arg1834Trp (NM_001369365.1); short protein forms R1834W, R1845W, R1883W.
Identifiers: ClinVar variation 1194353 (VCV001194353.15), dbSNP rs866352637, ClinGen allele CA224854331.